The following is an entry in ClinVar:

NM_003000.3(SDHB):c.368A>G (p.Lys123Arg)

Gene: SDHB (succinate dehydrogenase complex iron sulfur subunit B; minus strand). Cytogenetic location: 1p36.13.
Variant type: single nucleotide variant.
Coding change: c.368A>G on transcript NM_003000.3 (MANE Select); coding-DNA position 368, A replaced by G.
Protein change: p.Lys123Arg; replaces lysine 123 with arginine.
Molecular consequence: missense variant.
Genome position (GRCh38, 1-based): chr1:17,028,655, T>C on the plus strand (A>G on the coding strand, the complement: SDHB is on the minus strand). VCF-style: chr1-17028655-T-C. GRCh37 (hg19) VCF-style: chr1-17355150-T-C.
Other names: c.368A>G (NM_003000.2); short protein forms K123R.
Identifiers: ClinVar variation 1061140 (VCV001061140.6), dbSNP rs1557741464, ClinGen allele CA338274443.

ClinVar aggregate classification (germline): Uncertain significance. Review status: criteria provided, multiple submitters, no conflicts (2 of 4 stars). 2 submissions from 2 submitters: Uncertain significance (2). Last evaluated 2026-07-02.

Conditions:
Hereditary cancer-predisposing syndrome. Also called: Tumor predisposition; Hereditary Cancer Syndrome; Hereditary neoplastic syndrome; Neoplastic Syndromes, Hereditary. Identifiers: Orphanet 140162, MedGen C0027672, MeSH D009386, MONDO:0015356.
Pheochromocytoma/paraganglioma syndrome 4. Also called: PARAGANGLIOMA, FAMILIAL MALIGNANT; PARAGANGLIOMAS, HEREDITARY EXTRAADRENAL; PHEOCHROMOCYTOMA, FAMILIAL EXTRAADRENAL; SDHB-Related Hereditary Paraganglioma-Pheochromocytoma Syndrome (Paragangliomas 4); Paragangliomas 4; CAROTID BODY TUMORS AND MULTIPLE EXTRAADRENAL PHEOCHROMOCYTOMAS. Identifiers: Orphanet 29072, MedGen C1861848, MONDO:0007273, OMIM 115310.
Gastrointestinal stromal tumor. Also called: Gastrointestinal stromal tumor, somatic; Gastrointestinal stroma tumor. Identifiers: Orphanet 44890, MedGen C0238198, MeSH D046152, MONDO:0011719, OMIM 606764, HP:0100723.
Pheochromocytoma. Also called: MAX-Related Hereditary Paraganglioma-Pheochromocytoma Syndrome. Identifiers: Orphanet 29072, MedGen C0031511, MONDO:0008233, OMIM 171300, HP:0002666.

Submissions (2):

Ambry Genetics
Classification: Uncertain significance for Hereditary cancer-predisposing syndrome. Last evaluated: 2026-07-02. Review status: criteria provided, single submitter. Criteria: Ambry Variant Classification Scheme 2023. Collection method: clinical testing. Allele origin: germline.
Comment: The p.K123R variant (also known as c.368A>G), located in coding exon 4 of the SDHB gene, results from an A to G substitution at nucleotide position 368. The lysine at codon 123 is replaced by arginine, an amino acid with highly similar properties. This amino acid position is conserved. In addition, the in silico prediction for this alteration is inconclusive. Based on the available evidence, the clinical significance of this variant remains unclear.

Labcorp Genetics (formerly Invitae), Labcorp
Classification: Uncertain significance for Gastrointestinal stromal tumor; Pheochromocytoma/paraganglioma syndrome 4; Pheochromocytoma. Last evaluated: 2020-03-04. Review status: criteria provided, single submitter. Criteria: Invitae Variant Classification Sherloc (09022015). Collection method: clinical testing. Allele origin: germline.
Comment: In summary, the available evidence is currently insufficient to determine the role of this variant in disease. Therefore, it has been classified as a Variant of Uncertain Significance. Algorithms developed to predict the effect of sequence changes on RNA splicing suggest that this variant may create or strengthen a splice site, but this prediction has not been confirmed by published transcriptional studies. Algorithms developed to predict the effect of missense changes on protein structure and function are either unavailable or do not agree on the potential impact of this missense change (SIFT: "Deleterious"; PolyPhen-2: "Benign"; Align-GVGD: "Class C25"). This variant has not been reported in the literature in individuals with SDHB-related conditions. This variant is not present in population databases (ExAC no frequency). This sequence change replaces lysine with arginine at codon 123 of the SDHB protein (p.Lys123Arg). The lysine residue is highly conserved and there is a small physicochemical difference between lysine and arginine.